The following is an entry in ClinVar:

NM_001036.6(RYR3):c.5677C>G (p.Arg1893Gly)

Gene: RYR3 (ryanodine receptor 3; plus strand). Cytogenetic location: 15q14.
Variant type: single nucleotide variant.
Coding change: c.5677C>G on transcript NM_001036.6 (MANE Select); coding-DNA position 5677, C replaced by G.
Protein change: p.Arg1893Gly; replaces arginine 1893 with glycine.
Molecular consequence: missense variant.
Genome position (GRCh38, 1-based): chr15:33,669,411, C>G. VCF-style: chr15-33669411-C-G. GRCh37 (hg19) VCF-style: chr15-33961612-C-G.
Other names: c.5677C>G, p.Arg1893Gly (NM_001243996.4); short protein forms R1893G.
Identifiers: ClinVar variation 1010636 (VCV001010636.8), dbSNP rs1449406965, ClinGen allele CA391576736.

ClinVar aggregate classification (germline): Uncertain significance (1 of 4 stars; one submission).

Conditions:
Epileptic encephalopathy. Identifiers: MedGen C0543888, HP:0200134.

Submission:

Labcorp Genetics (formerly Invitae), Labcorp
Classification: Uncertain significance for Epileptic encephalopathy. Last evaluated: 2023-08-10. Review status: criteria provided, single submitter. Criteria: Invitae Variant Classification Sherloc (09022015). Collection method: clinical testing. Allele origin: germline.
Comment: This sequence change replaces arginine, which is basic and polar, with glycine, which is neutral and non-polar, at codon 1893 of the RYR3 protein (p.Arg1893Gly). In summary, the available evidence is currently insufficient to determine the role of this variant in disease. Therefore, it has been classified as a Variant of Uncertain Significance. Advanced modeling of protein sequence and biophysical properties (such as structural, functional, and spatial information, amino acid conservation, physicochemical variation, residue mobility, and thermodynamic stability) performed at Invitae indicates that this missense variant is not expected to disrupt RYR3 protein function. ClinVar contains an entry for this variant (Variation ID: 1010636). This variant has not been reported in the literature in individuals affected with RYR3-related conditions. This variant is not present in population databases (gnomAD no frequency).